The following is an entry in ClinVar:

ClinVar aggregate classification (germline): Uncertain significance (1 of 4 stars; one submission).

Conditions:
Hereditary cancer-predisposing syndrome. Also called: Hereditary neoplastic syndrome; Neoplastic Syndromes, Hereditary; Tumor predisposition; Hereditary Cancer Syndrome. Identifiers: Orphanet 140162, MedGen C0027672, MeSH D009386, MONDO:0015356.

Submission:

Ambry Genetics
Classification: Uncertain significance for Hereditary cancer-predisposing syndrome. Last evaluated: 2025-08-27. Review status: criteria provided, single submitter. Criteria: Ambry Variant Classification Scheme 2023. Collection method: clinical testing. Allele origin: germline.
Comment: The p.Q187L variant (also known as c.560A>T), located in coding exon 7 of the MUTYH gene, results from an A to T substitution at nucleotide position 560. The glutamine at codon 187 is replaced by leucine, an amino acid with dissimilar properties. This amino acid position is conserved. In addition, the in silico prediction for this alteration is inconclusive. Based on the available evidence, the clinical significance of this variant remains unclear.

NM_001048174.2(MUTYH):c.476A>T (p.Gln159Leu)

Gene: MUTYH (mutY DNA glycosylase; minus strand). Cytogenetic location: 1p34.1.
Variant type: single nucleotide variant.
Coding change: c.476A>T on transcript NM_001048174.2 (MANE Select); coding-DNA position 476, A replaced by T.
Protein change: p.Gln159Leu; replaces glutamine 159 with leucine.
Molecular consequence: missense variant. On other transcripts: non-coding transcript variant (7).
Genome position (GRCh38, 1-based): chr1:45,332,779, T>A on the plus strand (A>T on the coding strand, the complement: MUTYH is on the minus strand). VCF-style: chr1-45332779-T-A. GRCh37 (hg19) VCF-style: chr1-45798451-T-A.
Other names: c.476A>T, p.Gln159Leu (NM_001048171.2, NM_001048173.2, NM_001293195.2 and 6 more transcripts); c.479A>T, p.Gln160Leu (NM_001048172.2, NM_001407071.1, NM_001407078.1 and 1 more transcripts); c.560A>T, p.Gln187Leu (NM_001128425.2); c.521A>T, p.Gln174Leu (NM_001293190.2); c.509A>T, p.Gln170Leu (NM_001293191.2, NM_001407069.1, NM_001407077.1); c.200A>T, p.Gln67Leu (NM_001293192.2, NM_001293196.2, NM_001407091.1); c.131A>T, p.Gln44Leu (NM_001350650.2, NM_001350651.2, NM_001407082.1); c.392A>T, p.Gln131Leu (NM_001407075.1); and 5 more; short protein forms Q159L, Q170L, Q173L, Q187L, Q67L, Q131L, Q146L, Q184L.
Identifiers: ClinVar variation 4113726 (VCV004113726.1).
Genomic context (GRCh38, chr1:45,332,779, plus strand): 5'-ACACCCAAGACTCCTGGGTTCCTACCCTCCTGCCATCCCCTTACCTTCCGAGCTCCCTCC[T>A]GCAGCCGCCGGCCACGAGAATAGTAGCCCAGGCCAGCCCAGAGTTGATTCACCTCCTGTG-3'
Protein context (NP_001041639.1, residues 149-169): LGYYSRGRRL[Gln159Leu]EGARKVVEEL